The following is an entry in ClinVar:

NM_017739.4(POMGNT1):c.1848GAA[2] (p.Lys618del)

Genes: POMGNT1 (protein O-linked mannose N-acetylglucosaminyltransferase 1 (beta 1,2-); minus strand), TSPAN1 (tetraspanin 1; plus strand). Cytogenetic location: 1p34.1.
Variant type: Microsatellite.
Coding change: c.1848GAA[2] on transcript NM_017739.4 (MANE Select); two copies in a row of the 3-base unit GAA starting at c.1848; the reference has three copies in a row; one copy, 3 bases deleted.
Protein change: p.Lys618del; deletes lysine 618.
Molecular consequence: inframe deletion. On other transcripts: inframe indel (1).
Genome position (GRCh38, 1-based): chr1:46,189,497-46,189,499, TTC deleted on the plus strand (GAA on the coding strand, the reverse complement: POMGNT1 is on the minus strand); deleting any 3 consecutive bases within chr1:46,189,497-46,189,505 gives the same sequence; the position shown is the placement nearest the transcript's 3' end. VCF-style (leftmost placement, unchanged base first): chr1-46189496-GTTC-G. GRCh37 (hg19) VCF-style: chr1-46655168-GTTC-G.
Other names: c.1854_1856delGAA (NM_017739.3); c.1848GAA[2], p.Lys618del (NM_001243766.2, NM_001410783.1); c.1782_1784GAA[2], p.Lys596del (NM_001290129.3); c.1419GAA[2], p.Lys475del (NM_001290130.2); short protein forms K618del, K596del, K475del.
Identifiers: ClinVar variation 579820 (VCV000579820.6), dbSNP rs1435566919, ClinGen allele CA522811699.

ClinVar aggregate classification (germline): Uncertain significance (1 of 4 stars; one submission).

Conditions:
Muscular dystrophy-dystroglycanopathy (congenital with impaired intellectual development), type B, 3. Also called: Muscular dystrophy-dystroglycanopathy (congenital with intellectual disability), type B3; MUSCULAR DYSTROPHY, CONGENITAL, POMGNT1-RELATED. Identifiers: MedGen C3150412, MONDO:0013155, OMIM 613151.
Autosomal recessive limb-girdle muscular dystrophy type 2O. Also called: Limb-Girdle Muscular Dystrophy Type 3C; MUSCULAR DYSTROPHY-DYSTROGLYCANOPATHY (LIMB-GIRDLE), TYPE C, 3; MUSCULAR DYSTROPHY-DYSTROGLYCANOPATHY, LIMB-GIRDLE, POMGNT1-RELATED. Identifiers: Orphanet 206564, MedGen C3150417, MONDO:0013161, OMIM 613157.

Submission:

Labcorp Genetics (formerly Invitae), Labcorp
Classification: Uncertain significance for Autosomal recessive limb-girdle muscular dystrophy type 2O; Muscular dystrophy-dystroglycanopathy (congenital with impaired intellectual development), type B, 3. Last evaluated: 2022-06-04. Review status: criteria provided, single submitter. Criteria: Invitae Variant Classification Sherloc (09022015). Collection method: clinical testing. Allele origin: germline.
Comment: This variant, c.1854_1856del, results in the deletion of 1 amino acid(s) of the POMGNT1 protein (p.Lys618del), but otherwise preserves the integrity of the reading frame. This variant is present in population databases (no rsID available, gnomAD 0.003%). This variant has not been reported in the literature in individuals affected with POMGNT1-related conditions. ClinVar contains an entry for this variant (Variation ID: 579820). Experimental studies and prediction algorithms are not available or were not evaluated, and the functional significance of this variant is currently unknown. In summary, the available evidence is currently insufficient to determine the role of this variant in disease. Therefore, it has been classified as a Variant of Uncertain Significance.